The following is an entry in ClinVar:

NM_020919.4(ALS2):c.334G>A (p.Ala112Thr)

Gene: ALS2 (alsin Rho guanine nucleotide exchange factor ALS2; minus strand). Cytogenetic location: 2q33.1.
Variant type: single nucleotide variant.
Coding change: c.334G>A on transcript NM_020919.4 (MANE Select); coding-DNA position 334, G replaced by A.
Protein change: p.Ala112Thr; replaces alanine 112 with threonine.
Molecular consequence: missense variant.
Genome position (GRCh38, 1-based): chr2:201,761,660, C>T on the plus strand (G>A on the coding strand, the complement: ALS2 is on the minus strand). VCF-style: chr2-201761660-C-T. GRCh37 (hg19) VCF-style: chr2-202626383-C-T.
Other names: c.334G>A, p.Ala112Thr (NM_001135745.2); short protein forms A112T.
Identifiers: ClinVar variation 1405572 (VCV001405572.6), dbSNP rs372826085, ClinGen allele CA63971904.

ClinVar aggregate classification (germline): Uncertain significance (1 of 4 stars; one submission).

Conditions:
Infantile-onset ascending hereditary spastic paralysis (IAHSP). Also called: Infantile-Onset Ascending Hereditary Spastic Paralysis (IAHSP); Autosomal Recessive Juvenile Amyotrophic Lateral Sclerosis. Identifiers: Orphanet 293168, MedGen C2931441, MONDO:0011797, OMIM 607225. Disease mechanism: loss of function.

Allele frequency attached by ClinVar (database versions not stated): gnomAD exomes below 0.00001; gnomAD 0.00002; ESP Exome Variant Server 0.00008.
gnomAD v4.1: 8 of 1,614,020 alleles (0.0005%); highest among the groups gnomAD compares: African/African-American, 0.0027%; no homozygotes.

Submission:

Labcorp Genetics (formerly Invitae), Labcorp
Classification: Uncertain significance for Infantile-onset ascending hereditary spastic paralysis. Last evaluated: 2022-07-06. Review status: criteria provided, single submitter. Criteria: Invitae Variant Classification Sherloc (09022015). Collection method: clinical testing. Allele origin: germline.
Comment: ClinVar contains an entry for this variant (Variation ID: 1405572). In summary, the available evidence is currently insufficient to determine the role of this variant in disease. Therefore, it has been classified as a Variant of Uncertain Significance. Algorithms developed to predict the effect of missense changes on protein structure and function (SIFT, PolyPhen-2, Align-GVGD) all suggest that this variant is likely to be tolerated. This variant has not been reported in the literature in individuals affected with ALS2-related conditions. This variant is not present in population databases (gnomAD no frequency). This sequence change replaces alanine, which is neutral and non-polar, with threonine, which is neutral and polar, at codon 112 of the ALS2 protein (p.Ala112Thr).